The following is an entry in ClinVar:

ClinVar aggregate classification (germline): Uncertain significance (1 of 4 stars; one submission).

Submission:

Labcorp Genetics (formerly Invitae), Labcorp
Classification: Uncertain significance. Last evaluated: 2021-04-17. Review status: criteria provided, single submitter. Criteria: Invitae Variant Classification Sherloc (09022015). Collection method: clinical testing. Allele origin: germline.
Comment: This sequence change replaces glycine with alanine at codon 12 of the FZD4 protein (p.Gly12Ala). The glycine residue is highly conserved and there is a small physicochemical difference between glycine and alanine. This variant is not present in population databases (ExAC no frequency). This variant has not been reported in the literature in individuals with FZD4-related conditions. Algorithms developed to predict the effect of missense changes on protein structure and function output the following: SIFT: "Tolerated"; PolyPhen-2: "Not Available"; Align-GVGD: "Class C0". The alanine amino acid residue is found in multiple mammalian species, suggesting that this missense change does not adversely affect protein function. These predictions have not been confirmed by published functional studies and their clinical significance is uncertain. In summary, the available evidence is currently insufficient to determine the role of this variant in disease. Therefore, it has been classified as a Variant of Uncertain Significance.

NM_012193.4(FZD4):c.35G>C (p.Gly12Ala)

Gene: FZD4 (frizzled class receptor 4; minus strand). Cytogenetic location: 11q14.2.
Variant type: single nucleotide variant.
Coding change: c.35G>C on transcript NM_012193.4 (MANE Select); coding-DNA position 35, G replaced by C.
Protein change: p.Gly12Ala; replaces glycine 12 with alanine.
Molecular consequence: missense variant.
Genome position (GRCh38, 1-based): chr11:86,955,051, C>G on the plus strand (G>C on the coding strand, the complement: FZD4 is on the minus strand). VCF-style: chr11-86955051-C-G. GRCh37 (hg19) VCF-style: chr11-86666093-C-G.
Other names: short protein forms G12A.
Identifiers: ClinVar variation 1346364 (VCV001346364.8), dbSNP rs2135045574, ClinGen allele CA382018632.
Genomic context (GRCh38, chr11:86,955,051, plus strand): 5'-CCCAGGAGCAGCAGCAACTGCAGGAGCAACCCCAGACTGAGACCGACGCCCCCGGGCGCC[C>G]CCGGGACGCTCGGCCCTGCGCCCCGCCAGGCCATGGCCAGCATCGGGGGTAGCAGCGGCA-3'
Protein context (NP_036325.2, residues 2-22): AWRGAGPSVP[Gly12Ala]APGGVGLSLG